The following is an entry in ClinVar:

ClinVar aggregate classification (germline): Uncertain significance. Review status: criteria provided, multiple submitters, no conflicts (2 of 4 stars). 2 submissions from 2 submitters: Uncertain significance (2). Last evaluated 2026-04-20.

Conditions:
3-methylglutaconic aciduria, type VIIB (MGCA7B). Also called: CLPB Deficiency; 3-methylglutaconic aciduria with cataracts, neurologic involvement and neutropenia; 3-methylglutaconic aciduria, type VII, with cataracts, neurologic involvement and neutropenia. Identifiers: Orphanet 445038, MedGen C5676893, MONDO:0014561, OMIM 616271.

gnomAD v4.1: 9 of 1,613,600 alleles (0.00056%); highest among the groups gnomAD compares: East Asian, 0.0045%; no homozygotes.

Submissions (2):

Institute of Medical Genetics, University of Zurich
Classification: Uncertain significance for 3-methylglutaconic aciduria, type VIIB. Last evaluated: 2026-04-20. Review status: criteria provided, single submitter. Criteria: ACMG Guidelines, 2015. Collection method: clinical testing. Allele origin: germline. Inheritance: Autosomal recessive inheritance. Observed: 3 variant alleles.
Comment: The missense substitution c.749G>A (p.(Arg250Gln)) in the CLPB gene (NM_030813.6) affects a highly conserved amino acid residue. Multiple In silico prediction tools support a deleterious effect on protein. The affected amino acid residue Arg250 is located within ankyrin motif 3 (AM3) of the ankyrin repeat (ANK)-domain, a region known to be critical for CLPB disaggregase activity in vitro (PMID: 36745679). Variants within this region have been proposed to destabilize the ankyrin domain structure or impair proper folding of the ankyrin motifs (PMID: 36745679, 32573439). Pathogenic variants in CLPB are associated with CLPB (caseinolytic peptidase B) deficiency, which is characterized by variable neurologic involvement and neutropenia, with a spectrum ranging from severe to mild phenotypes (GeneReviews: “CLPB Deficiency”, Wortmann and Wevers). Both autosomal recessive (OMIM: 616271) and autosomal dominant (OMIM: 619835) inheritance patterns have been reported. The variant has not been previously reported in the literature. In the absence of additional evidence supporting pathogenicity, this variant is classified as a Variant of Uncertain Significance (VUS) for autosomal recessive CLPB deficiency (OMIM: 616271) and as likely benign with respect to autosomal dominant CLPB deficiency (OMIM: 619835) (ACMG criteria: BS2, BS4_supporting).

Labcorp Genetics (formerly Invitae), Labcorp
Classification: Uncertain significance for 3-methylglutaconic aciduria, type VIIB. Last evaluated: 2025-10-18. Review status: criteria provided, single submitter. Criteria: Invitae Variant Classification Sherloc (09022015). Collection method: clinical testing. Allele origin: germline.
Comment: This sequence change replaces arginine, which is basic and polar, with glutamine, which is neutral and polar, at codon 250 of the CLPB protein (p.Arg250Gln). This variant is not present in population databases (gnomAD no frequency). This variant has not been reported in the literature in individuals affected with CLPB-related conditions. ClinVar contains an entry for this variant (Variation ID: 3674991). An algorithm developed to predict the effect of missense changes on protein structure and function (PolyPhen-2) suggests that this variant is likely to be disruptive. In summary, the available evidence is currently insufficient to determine the role of this variant in disease. Therefore, it has been classified as a Variant of Uncertain Significance.

Literature cited by the submitters: PubMed 36745679 (cited by Institute of Medical Genetics, University of Zurich); PubMed 32573439 (cited by Institute of Medical Genetics, University of Zurich).

NM_001258392.3(CLPB):c.659G>A (p.Arg220Gln)

Gene: CLPB (ClpB family mitochondrial disaggregase; minus strand). Cytogenetic location: 11q13.4.
Variant type: single nucleotide variant.
Coding change: c.659G>A on transcript NM_001258392.3 (MANE Select); coding-DNA position 659, G replaced by A.
Protein change: p.Arg220Gln; replaces arginine 220 with glutamine.
Molecular consequence: missense variant.
Genome position (GRCh38, 1-based): chr11:72,358,996, C>T on the plus strand (G>A on the coding strand, the complement: CLPB is on the minus strand). VCF-style: chr11-72358996-C-T. GRCh37 (hg19) VCF-style: chr11-72070040-C-T.
Other names: c.572G>A, p.Arg191Gln (NM_001258393.3); c.614G>A, p.Arg205Gln (NM_001258394.3); c.749G>A, p.Arg250Gln (NM_030813.6); short protein forms R220Q, R205Q, R191Q, R250Q.
Identifiers: ClinVar variation 3674991 (VCV003674991.3).